The following is an entry in ClinVar:

ClinVar aggregate classification (germline): Benign/Likely benign. Review status: criteria provided, multiple submitters, no conflicts (2 of 4 stars). 2 submissions from 2 submitters: Benign (1); Likely benign (1). Last evaluated 2025-06-11.

Conditions:
Familial cold autoinflammatory syndrome 2 (FCAS2). Identifiers: Orphanet 247868, MedGen C2673198, MONDO:0012724, OMIM 611762.

Allele frequency attached by ClinVar (database versions not stated): gnomAD exomes 0.00003 and 0.00006; ExAC 0.00005; ESP Exome Variant Server 0.00015; gnomAD 0.00022 and 0.00025; TOPMed 0.00031.
gnomAD v4.1: 74 of 1,613,438 alleles (0.0046%); highest among the groups gnomAD compares: African/African-American, 0.093%; no homozygotes.

Submissions (2):

Labcorp Genetics (formerly Invitae), Labcorp
Classification: Benign for Familial cold autoinflammatory syndrome 2. Last evaluated: 2025-06-11. Review status: criteria provided, single submitter. Criteria: Invitae Variant Classification Sherloc (09022015). Collection method: clinical testing. Allele origin: germline.

Illumina Laboratory Services, Illumina
Classification: Likely benign for Familial cold autoinflammatory syndrome 2. Last evaluated: 2018-01-12. Review status: criteria provided, single submitter. Criteria: ICSL Variant Classification Criteria 13 December 2019. Collection method: clinical testing. Allele origin: germline.
Comment: This variant was observed in the ICSL laboratory as part of a predisposition screen in an ostensibly healthy population. It had not been previously curated by ICSL or reported in the Human Gene Mutation Database (HGMD: prior to June 1st, 2018), and was therefore a candidate for classification through an automated scoring system. Utilizing variant allele frequency, disease prevalence and penetrance estimates, and inheritance mode, an automated score was calculated to assess if this variant is too frequent to cause the disease. Based on the score and internal cut-off values, a variant classified as likely benign is not then subjected to further curation. The score for this variant resulted in a classification of likely benign for this disease.

NM_144687.4(NLRP12):c.2757-8C>G

Gene: NLRP12 (NLR family pyrin domain containing 12; minus strand). Cytogenetic location: 19q13.42.
Variant type: single nucleotide variant.
Coding change: c.2757-8C>G on transcript NM_144687.4 (MANE Select); 8 bases into the intron before coding-DNA position 2757, C replaced by G.
Molecular consequence: intron variant.
Genome position (GRCh38, 1-based): chr19:53,798,421, G>C on the plus strand (C>G on the coding strand, the complement: NLRP12 is on the minus strand). VCF-style: chr19-53798421-G-C. GRCh37 (hg19) VCF-style: chr19-54301675-G-C.
Other names: c.2757-2392C>G (NM_001277129.1); c.2760-8C>G (NM_001277126.2).
Identifiers: ClinVar variation 330009 (VCV000330009.9), dbSNP rs370391218, ClinGen allele CA9638911.
Genomic context (GRCh38, chr19:53,798,421, plus strand): 5'-GCACCACAGAAAGACCCTCACAGGCGGCAGAGCCCAGCCGGCAGATGCCCAACCTGCAAA[G>C]ACAGGATGCTAGGGCGGAGTGGGAGGCATTCCTCCTGCAAAATCTGCTGGGAGGGCCCTG-3'